The following is an entry in ClinVar:

ClinVar aggregate classification (germline): Uncertain significance (1 of 4 stars; one submission).

Conditions:
RASopathy. Also called: rasopathies; Noonan spectrum disorder. Identifiers: Orphanet 536391, MedGen C5555857, MONDO:0021060.

Submission:

Labcorp Genetics (formerly Invitae), Labcorp
Classification: Uncertain significance for RASopathy. Last evaluated: 2025-04-14. Review status: criteria provided, single submitter. Criteria: Invitae Variant Classification Sherloc (09022015). Collection method: clinical testing. Allele origin: germline.
Comment: This sequence change replaces isoleucine, which is neutral and non-polar, with methionine, which is neutral and non-polar, at codon 204 of the SHOC2 protein (p.Ile204Met). This variant is not present in population databases (gnomAD no frequency). This variant has not been reported in the literature in individuals affected with SHOC2-related conditions. ClinVar contains an entry for this variant (Variation ID: 2007982). Invitae Evidence Modeling of protein sequence and biophysical properties (such as structural, functional, and spatial information, amino acid conservation, physicochemical variation, residue mobility, and thermodynamic stability) has been performed for this missense variant. However, the output from this modeling did not meet the statistical confidence thresholds required to predict the impact of this variant on SHOC2 protein function. In summary, the available evidence is currently insufficient to determine the role of this variant in disease. Therefore, it has been classified as a Variant of Uncertain Significance.

NM_007373.4(SHOC2):c.612A>G (p.Ile204Met)

Gene: SHOC2 (SHOC2 leucine rich repeat scaffold protein; plus strand). Cytogenetic location: 10q25.2.
Variant type: single nucleotide variant.
Coding change: c.612A>G on transcript NM_007373.4 (MANE Select); coding-DNA position 612, A replaced by G.
Protein change: p.Ile204Met; replaces isoleucine 204 with methionine.
Molecular consequence: missense variant.
Genome position (GRCh38, 1-based): chr10:110,964,970, A>G. VCF-style: chr10-110964970-A-G. GRCh37 (hg19) VCF-style: chr10-112724728-A-G.
Other names: c.612A>G, p.Ile204Met (NM_001269039.3, NM_001324336.2, NM_001324337.2); short protein forms I204M.
Identifiers: ClinVar variation 2007982 (VCV002007982.4), dbSNP rs2493840317, ClinGen allele CA378386269.
Genomic context (GRCh38, chr10:110,964,970, plus strand): 5'-TCCTTCAGTGGTGTATAGGCTGGATTCTCTCACCACTCTTTACCTTCGCTTTAATCGTAT[A>G]ACTACTGTGGAAAAGGACATCAAAAACTTGTCAAAACTCAGCATGCTTAGCATTCGAGAG-3'
Protein context (NP_031399.2, residues 194-214): LTTLYLRFNR[Ile204Met]TTVEKDIKNL